The following is an entry in ClinVar:

ClinVar aggregate classification (germline): Uncertain significance. Review status: criteria provided, multiple submitters, no conflicts (2 of 4 stars). 2 submissions from 2 submitters: Uncertain significance (2). Last evaluated 2023-10-01.

Conditions:
Retinal dystrophy. Also called: Inherited retinal dystrophy. Identifiers: Orphanet 71862, MedGen C0854723, MeSH D058499, MONDO:0019118, HP:0000556.

Allele frequency attached by ClinVar (database versions not stated): gnomAD exomes 0.00001.
gnomAD v4.1: 5 of 1,614,160 alleles (0.00031%); highest among the groups gnomAD compares: East Asian, 0.011%; no homozygotes.

Submissions (2):

Dept Of Ophthalmology, Nagoya University
Classification: Uncertain significance for Retinal dystrophy. Last evaluated: 2023-10-01. Review status: criteria provided, single submitter. Criteria: Submitter's publication. Collection method: research. Allele origin: germline. Affected: yes.

Labcorp Genetics (formerly Invitae), Labcorp
Classification: Uncertain significance. Last evaluated: 2022-09-27. Review status: criteria provided, single submitter. Criteria: Invitae Variant Classification Sherloc (09022015). Collection method: clinical testing. Allele origin: germline.
Comment: In summary, the available evidence is currently insufficient to determine the role of this variant in disease. Therefore, it has been classified as a Variant of Uncertain Significance. Advanced modeling of protein sequence and biophysical properties (such as structural, functional, and spatial information, amino acid conservation, physicochemical variation, residue mobility, and thermodynamic stability) performed at Invitae indicates that this missense variant is not expected to disrupt HK1 protein function. This variant has not been reported in the literature in individuals affected with HK1-related conditions. This variant is not present in population databases (gnomAD no frequency). This sequence change replaces aspartic acid, which is acidic and polar, with glycine, which is neutral and non-polar, at codon 399 of the HK1 protein (p.Asp399Gly).

NM_000188.3(HK1):c.1196A>G (p.Asp399Gly)

Gene: HK1 (hexokinase 1; plus strand). Cytogenetic location: 10q22.1.
Variant type: single nucleotide variant.
Coding change: c.1196A>G on transcript NM_000188.3 (MANE Select); coding-DNA position 1196, A replaced by G.
Protein change: p.Asp399Gly; replaces aspartic acid 399 with glycine.
Molecular consequence: missense variant.
Genome position (GRCh38, 1-based): chr10:69,380,026, A>G. VCF-style: chr10-69380026-A-G. GRCh37 (hg19) VCF-style: chr10-71139782-A-G.
Other names: c.1208A>G, p.Asp403Gly (NM_001322364.2, NM_001358263.1, NM_033497.3 and 1 more transcripts); c.1301A>G, p.Asp434Gly (NM_001322365.2); c.1112A>G, p.Asp371Gly (NM_001322366.1); c.1100A>G, p.Asp367Gly (NM_001322367.1); c.1193A>G, p.Asp398Gly (NM_033496.3); c.1160A>G, p.Asp387Gly (NM_033500.2); short protein forms D367G, D403G, D387G, D398G, D399G, D434G, D371G.
Identifiers: ClinVar variation 2000256 (VCV002000256.5), dbSNP rs1839309730, ClinGen allele CA376917540.